The following is an entry in ClinVar:

ClinVar aggregate classification (germline): Uncertain significance (1 of 4 stars; one submission).

Conditions:
CLDN16-related disorder. Also called: CLDN16-related condition.

gnomAD v4.1: 46 of 1,613,898 alleles (0.0029%); highest among the groups gnomAD compares: Non-Finnish European, 0.0034%; no homozygotes.

Submission:

PreventionGenetics, part of Exact Sciences
Classification: Uncertain significance for CLDN16-related condition. Last evaluated: 2025-01-23. Review status: criteria provided, single submitter. Criteria: ACMG Guidelines, 2015. Collection method: clinical testing. Allele origin: germline.
Comment: The CLDN16 c.29C>T variant is predicted to result in the amino acid substitution p.Thr10Ile. To our knowledge, this variant has not been reported in the literature. This variant is reported in 0.015% of alleles in individuals of European (non-Finnish) descent in gnomAD. At this time, the clinical significance of this variant is uncertain due to the absence of conclusive functional and genetic evidence.

NM_006580.3(CLDN16):c.29C>T

Gene: CLDN16 (claudin 16; plus strand). Cytogenetic location: 3q28.
Variant type: single nucleotide variant.
Coding change: c.29C>T on transcript NM_006580.3; coding-DNA position 29, C replaced by T.
Molecular consequence: intron variant (on NM_001378492.1).
Genome position (GRCh38, 1-based): chr3:190,388,148, C>T. VCF-style: chr3-190388148-C-T. GRCh37 (hg19) VCF-style: chr3-190105937-C-T.
Other names: c.-93-89C>T (NM_001378492.1, NM_001378493.1).
Identifiers: ClinVar variation 4986540 (VCV004986540.1).
Genomic context (GRCh38, chr3:190,388,148, plus strand): 5'-GCCTTCTGATTGGAGGCTGGTTGCTTCGGATAATGACCTCCAGGACCCCACTGTTGGTTA[C>T]AGCCTGTTTGTATTATTCTTACTGCAACTCAAGACACCTGCAGCAGGGCGTGAGAAAAAG-3'